The following is an entry in ClinVar:

ClinVar aggregate classification (germline): Uncertain significance (1 of 4 stars; one submission).

gnomAD v4.1: 1 of 1,614,078 alleles (0.000062%); highest among the groups gnomAD compares: South Asian, 0.0011%; no homozygotes.

Submission:

GeneDx
Classification: Uncertain significance. Last evaluated: 2025-06-30. Review status: criteria provided, single submitter. Criteria: GeneDx Variant Classification Process June 2021. Collection method: clinical testing. Allele origin: germline. Affected: yes.
Comment: Not observed at significant frequency in large population cohorts (gnomAD); In silico analysis supports that this missense variant has a deleterious effect on protein structure/function; Has not been previously published as pathogenic or benign to our knowledge

NM_139319.3(SLC17A8):c.869G>T (p.Ser290Ile)

Gene: SLC17A8 (solute carrier family 17 member 8; plus strand). Cytogenetic location: 12q23.1.
Variant type: single nucleotide variant.
Coding change: c.869G>T on transcript NM_139319.3 (MANE Select); coding-DNA position 869, G replaced by T.
Protein change: p.Ser290Ile; replaces serine 290 with isoleucine.
Molecular consequence: missense variant.
Genome position (GRCh38, 1-based): chr12:100,402,445, G>T. VCF-style: chr12-100402445-G-T. GRCh37 (hg19) VCF-style: chr12-100796223-G-T.
Other names: c.869G>T, p.Ser290Ile (NM_001145288.2); short protein forms S290I.
Identifiers: ClinVar variation 4681103 (VCV004681103.1).